The following is an entry in ClinVar:

NM_000052.7(ATP7A):c.3696G>A (p.Val1232=)

Gene: ATP7A (ATPase copper transporting alpha; plus strand). Cytogenetic location: Xq21.1.
Variant type: single nucleotide variant.
Coding change: c.3696G>A on transcript NM_000052.7 (MANE Select); coding-DNA position 3696, G replaced by A.
Protein change: p.Val1232=; no amino-acid change (valine 1232 retained).
Molecular consequence: synonymous variant. On other transcripts: non-coding transcript variant (1).
Genome position (GRCh38, 1-based): chrX:78,040,628, G>A. VCF-style: chrX-78040628-G-A. GRCh37 (hg19) VCF-style: chrX-77296126-G-A.
Other names: p.Val1232=; c.3462G>A, p.Val1154= (NM_001282224.2).
Identifiers: ClinVar variation 760270 (VCV000760270.11), dbSNP rs1557238252, ClinGen allele CA517077053.

ClinVar aggregate classification (germline): Likely benign. Review status: criteria provided, multiple submitters, no conflicts (2 of 4 stars). 4 submissions from 4 submitters: Likely benign (3). 1 of the submissions does not count toward it. Last evaluated 2025-10-18.

Conditions:
X-linked distal spinal muscular atrophy type 3. Also called: ATP7A-Related Distal Motor Neuropathy; NEURONOPATHY, DISTAL HEREDITARY MOTOR, X-LINKED; NEUROPATHY, DISTAL HEREDITARY MOTOR, X-LINKED; SPINAL MUSCULAR ATROPHY, DISTAL, X-LINKED RECESSIVE. Identifiers: Orphanet 139557, MedGen C1845359, MONDO:0010338, OMIM 300489.
Cutis laxa, X-linked (OHS). Also called: Occipital horn syndrome; EDS IX. Identifiers: Orphanet 198, MedGen C0268353, MONDO:0010572, OMIM 304150.
Menkes kinky-hair syndrome (MNK). Also called: Copper transport disease; Classic Menkes Disease; Menkes Disease. Identifiers: Orphanet 565, MedGen C0022716, MONDO:0010651, OMIM 309400.
ATP7A-related disorder. Also called: ATP7A-related condition.

Allele frequency attached by ClinVar (database versions not stated): gnomAD exomes below 0.00001 and 0.00001; TOPMed 0.00001.
gnomAD v4.1: 2 of 1,211,042 alleles (0.00017%); highest among the groups gnomAD compares: Non-Finnish European, 0.00022%; no homozygotes.

Submissions (4):

Labcorp Genetics (formerly Invitae), Labcorp
Classification: Likely benign for X-linked distal spinal muscular atrophy type 3; Cutis laxa, X-linked; Menkes kinky-hair syndrome. Last evaluated: 2025-10-18. Review status: criteria provided, single submitter. Criteria: Invitae Variant Classification Sherloc (09022015). Collection method: clinical testing. Allele origin: germline.

Mayo Clinic Laboratories, Mayo Clinic
Classification: Likely benign. Last evaluated: 2025-08-13. Review status: criteria provided, single submitter. Criteria: ACMG Guidelines, 2015. Collection method: clinical testing. Allele origin: germline. Observed: 1 variant allele.
Comment: BP4, BP7

PreventionGenetics, part of Exact Sciences
Classification: Likely benign for ATP7A-related condition. Last evaluated: 2024-10-25. Review status: criteria provided, single submitter. Criteria: ACMG Guidelines, 2015. Collection method: clinical testing. Allele origin: germline.
Comment: This variant is classified as likely benign based on ACMG/AMP sequence variant interpretation guidelines (Richards et al. 2015 PMID: 25741868, with internal and published modifications).

Natera, Inc.
Classification: Likely benign for Menkes kinky hair syndrome. Last evaluated: 2021-07-23. Review status: no assertion criteria provided. Collection method: clinical testing. Allele origin: germline. Not counted in ClinVar's aggregate classification.